The following is an entry in ClinVar:

ClinVar aggregate classification (germline): Conflicting classifications of pathogenicity. Review status: criteria provided, conflicting classifications (1 of 4 stars). 2 submissions from 2 submitters: Likely pathogenic (1); Uncertain significance (1). Last evaluated 2025-03-05.

Conditions:
FG syndrome (FGS). Identifiers: MedGen C0220769, MONDO:0002010.

Allele frequency attached by ClinVar (database versions not stated): gnomAD exomes below 0.00001 and 0.00001.
gnomAD v4.1: 1 of 1,211,109 alleles (0.000083%); highest among the groups gnomAD compares: Non-Finnish European, 0.00011%; no homozygotes.

Submissions (2):

Labcorp Genetics (formerly Invitae), Labcorp
Classification: Uncertain significance for FG syndrome. Last evaluated: 2025-03-05. Review status: criteria provided, single submitter. Criteria: Invitae Variant Classification Sherloc (09022015). Collection method: clinical testing. Allele origin: germline.
Comment: This sequence change replaces arginine, which is basic and polar, with histidine, which is basic and polar, at codon 1422 of the MED12 protein (p.Arg1422His). The frequency data for this variant in the population databases is considered unreliable, as metrics indicate poor data quality at this position in the gnomAD database. This missense change has been observed in individual(s) with developmental delay (PMID: 33057194). ClinVar contains an entry for this variant (Variation ID: 432197). Invitae Evidence Modeling of protein sequence and biophysical properties (such as structural, functional, and spatial information, amino acid conservation, physicochemical variation, residue mobility, and thermodynamic stability) has been performed for this missense variant. However, the output from this modeling did not meet the statistical confidence thresholds required to predict the impact of this variant on MED12 protein function. In summary, the available evidence is currently insufficient to determine the role of this variant in disease. Therefore, it has been classified as a Variant of Uncertain Significance.

GeneDx
Classification: Likely pathogenic. Last evaluated: 2024-08-05. Review status: criteria provided, single submitter. Criteria: GeneDx Variant Classification Process June 2021. Collection method: clinical testing. Allele origin: germline. Affected: yes.
Comment: In silico analysis supports that this missense variant has a deleterious effect on protein structure/function; Not observed at significant frequency in large population cohorts (gnomAD); This variant is associated with the following publications: (PMID: 35982159, 33057194)

Literature cited by the submitters: PubMed 33057194 (cited by Labcorp Genetics (formerly Invitae), Labcorp).

NM_005120.3(MED12):c.4265G>A (p.Arg1422His)

Gene: MED12 (mediator complex subunit 12; plus strand). Cytogenetic location: Xq13.1.
Variant type: single nucleotide variant.
Coding change: c.4265G>A on transcript NM_005120.3 (MANE Select); coding-DNA position 4265, G replaced by A.
Protein change: p.Arg1422His; replaces arginine 1422 with histidine.
Molecular consequence: missense variant.
Genome position (GRCh38, 1-based): chrX:71,132,388, G>A. VCF-style: chrX-71132388-G-A. GRCh37 (hg19) VCF-style: chrX-70352238-G-A.
Other names: short protein forms R1422H.
Identifiers: ClinVar variation 432197 (VCV000432197.4), dbSNP rs1255849432, ClinGen allele CA413526111.